The following is an entry in ClinVar:

NM_002227.4(JAK1):c.2102C>T (p.Ala701Val)

Gene: JAK1 (Janus kinase 1; minus strand). Cytogenetic location: 1p31.3.
Variant type: single nucleotide variant.
Coding change: c.2102C>T on transcript NM_002227.4 (MANE Select); coding-DNA position 2102, C replaced by T.
Protein change: p.Ala701Val; replaces alanine 701 with valine.
Molecular consequence: missense variant.
Genome position (GRCh38, 1-based): chr1:64,845,526, G>A on the plus strand (C>T on the coding strand, the complement: JAK1 is on the minus strand). VCF-style: chr1-64845526-G-A. GRCh37 (hg19) VCF-style: chr1-65311209-G-A.
Other names: c.2102C>T, p.Ala701Val (NM_001320923.2, NM_001321852.2, NM_001321853.2 and 3 more transcripts); c.2099C>T, p.Ala700Val (NM_001321857.2); short protein forms A700V, A701V.
Identifiers: ClinVar variation 4752870 (VCV004752870.1).
Genomic context (GRCh38, chr1:64,845,526, plus strand): 5'-CACTCTGGTTTCTGGTGGGACCATTATGGACATCAGGACATTCTCACCAAGTAGCTCAGG[G>A]CACTGGCCAGCTGTTTGGCAACTTTGAATTTCCATGGTGTGGTAAGGACATCGCTTTTCC-3'
Protein context (NP_002218.2, residues 691-711): KFKVAKQLAS[Ala701Val]LSYLEDKDLV

ClinVar aggregate classification (germline): Uncertain significance (1 of 4 stars; one submission).

gnomAD v4.1: 11 of 1,614,142 alleles (0.00068%); highest among the groups gnomAD compares: East Asian, 0.022%; no homozygotes.

Submission:

Labcorp Genetics (formerly Invitae), Labcorp
Classification: Uncertain significance. Last evaluated: 2026-01-12. Review status: criteria provided, single submitter. Criteria: Invitae Variant Classification Sherloc (09022015). Collection method: clinical testing. Allele origin: germline.
Comment: This sequence change replaces alanine, which is neutral and non-polar, with valine, which is neutral and non-polar, at codon 701 of the JAK1 protein (p.Ala701Val). This variant is present in population databases (rs117679986, gnomAD 0.02%). This variant has not been reported in the literature in individuals affected with JAK1-related conditions. Invitae Evidence Modeling of protein sequence and biophysical properties (such as structural, functional, and spatial information, amino acid conservation, physicochemical variation, residue mobility, and thermodynamic stability) indicates that this missense variant is not expected to disrupt JAK1 protein function with a negative predictive value of 80%. In summary, the available evidence is currently insufficient to determine the role of this variant in disease. Therefore, it has been classified as a Variant of Uncertain Significance.